The following is an entry in ClinVar:

NM_005529.7(HSPG2):c.3528+10G>T

Gene: HSPG2 (heparan sulfate proteoglycan 2; minus strand). Cytogenetic location: 1p36.12.
Variant type: single nucleotide variant.
Coding change: c.3528+10G>T on transcript NM_005529.7 (MANE Select); 10 bases into the intron after coding-DNA position 3528, G replaced by T.
Molecular consequence: intron variant.
Genome position (GRCh38, 1-based): chr1:21,874,606, C>A on the plus strand (G>T on the coding strand, the complement: HSPG2 is on the minus strand). VCF-style: chr1-21874606-C-A. GRCh37 (hg19) VCF-style: chr1-22201099-C-A.
Other names: c.3531+10G>T (NM_001291860.2).
Identifiers: ClinVar variation 498509 (VCV000498509.17), dbSNP rs367678569, ClinGen allele CA672623.

ClinVar aggregate classification (germline): Benign/Likely benign. Review status: criteria provided, multiple submitters, no conflicts (2 of 4 stars). 5 submissions from 5 submitters: Benign (4); Likely benign (1). Last evaluated 2026-01-27.

Conditions:
HSPG2-related disorder. Also called: HSPG2-related disorders; HSPG2-related condition.

Allele frequency attached by ClinVar (database versions not stated): 1000 Genomes Project 0.00260; 1000 Genomes Project 30x 0.00265; gnomAD 0.00274; TOPMed 0.00290; ESP Exome Variant Server 0.00338.
gnomAD v4.1: 702 of 1,613,606 alleles (0.044%); highest among the groups gnomAD compares: African/African-American, 0.83%; no homozygotes.

Submissions (5):

Labcorp Genetics (formerly Invitae), Labcorp
Classification: Benign. Last evaluated: 2026-01-27. Review status: criteria provided, single submitter. Criteria: Invitae Variant Classification Sherloc (09022015). Collection method: clinical testing. Allele origin: germline.

PreventionGenetics, part of Exact Sciences
Classification: Benign for HSPG2-related condition. Last evaluated: 2025-06-16. Review status: criteria provided, single submitter. Criteria: ACMG Guidelines, 2015. Collection method: clinical testing. Allele origin: germline.
Comment: This variant is classified as benign based on ACMG/AMP sequence variant interpretation guidelines (Richards et al. 2015 PMID: 25741868, with internal and published modifications).

ARUP Laboratories, Molecular Genetics and Genomics, ARUP Laboratories
Classification: Benign. Last evaluated: 2024-12-27. Review status: criteria provided, single submitter. Criteria: ARUP Molecular Germline Variant Investigation Process 2024. Collection method: clinical testing. Allele origin: germline.

Blueprint Genetics
Classification: Likely benign. Last evaluated: 2024-09-09. Review status: criteria provided, single submitter. Criteria: ACMG Guidelines, 2015. Collection method: clinical testing. Allele origin: germline.

Eurofins Ntd Llc (ga)
Classification: Benign. Last evaluated: 2016-11-22. Review status: criteria provided, single submitter. Criteria: EGL Classification Definitions 2015. Collection method: clinical testing. Allele origin: germline. Observed: 1 variant allele, 1 heterozygote.